The following is an entry in ClinVar:

ClinVar aggregate classification (germline): Uncertain significance (1 of 4 stars; one submission).

Allele frequency attached by ClinVar (database versions not stated): gnomAD exomes below 0.00001.
gnomAD v4.1: 2 of 1,614,086 alleles (0.00012%); highest among the groups gnomAD compares: Non-Finnish European, 0.00017%; no homozygotes.

Submission:

Labcorp Genetics (formerly Invitae), Labcorp
Classification: Uncertain significance. Last evaluated: 2022-04-01. Review status: criteria provided, single submitter. Criteria: Invitae Variant Classification Sherloc (09022015). Collection method: clinical testing. Allele origin: germline.
Comment: This variant is not present in population databases (gnomAD no frequency). In summary, the available evidence is currently insufficient to determine the role of this variant in disease. Therefore, it has been classified as a Variant of Uncertain Significance. Advanced modeling of protein sequence and biophysical properties (such as structural, functional, and spatial information, amino acid conservation, physicochemical variation, residue mobility, and thermodynamic stability) performed at Invitae indicates that this missense variant is not expected to disrupt ABCC6 protein function. This variant has not been reported in the literature in individuals affected with ABCC6-related conditions. This sequence change replaces isoleucine, which is neutral and non-polar, with methionine, which is neutral and non-polar, at codon 469 of the ABCC6 protein (p.Ile469Met).

NM_001171.6(ABCC6):c.1407C>G (p.Ile469Met)

Gene: ABCC6 (ATP binding cassette subfamily C member 6; minus strand). Cytogenetic location: 16p13.11.
Variant type: single nucleotide variant.
Coding change: c.1407C>G on transcript NM_001171.6 (MANE Select); coding-DNA position 1407, C replaced by G.
Protein change: p.Ile469Met; replaces isoleucine 469 with methionine.
Molecular consequence: missense variant. On other transcripts: non-coding transcript variant (1).
Genome position (GRCh38, 1-based): chr16:16,192,854, G>C on the plus strand (C>G on the coding strand, the complement: ABCC6 is on the minus strand). VCF-style: chr16-16192854-G-C. GRCh37 (hg19) VCF-style: chr16-16286711-G-C.
Other names: c.1065C>G, p.Ile355Met (NM_001351800.1); short protein forms I469M, I355M.
Identifiers: ClinVar variation 2120348 (VCV002120348.4), dbSNP rs1418245590, ClinGen allele CA394890002.